The following is an entry in ClinVar:

NM_000769.1(CYP2C19):c.-806C>T

Genes: CYP2C19 (cytochrome P450 family 2 subfamily C member 19; plus strand), LOC110599570 (CYP2C19 promoter; plus strand). Cytogenetic location: 10q23.33.
Variant type: single nucleotide variant.
Coding change: c.-806C>T on transcript NM_000769.1; 806 bases upstream of the start codon, C replaced by T.
Genome position (GRCh38, 1-based): chr10:94,761,900, C>T. VCF-style: chr10-94761900-C-T. GRCh37 (hg19) VCF-style: chr10-96521657-C-T.
Other names: CYP2C19*17; c.-806C>T (NM_000769.4).
Identifiers: ClinVar variation 39357 (VCV000039357.69), dbSNP rs12248560, ClinGen allele CA10602359.
Genomic context (GRCh38, chr10:94,761,900, plus strand): 5'-CTAAAACAAAGTTTTAGCAAACGATTTTTTTTTTCAAATTTGTGTCTTCTGTTCTCAAAG[C>T]ATCTCTGATGTAAGAGATAATGCGCCACGATGGGCATCAGAAGACCTCAGCTCAAATCCC-3'

ClinVar aggregate classification (germline): drug response. Review status: practice guideline (4 of 4 stars). 4 submissions from 4 submitters: drug response (1). 3 of the submissions do not count toward it.

Conditions:
Clopidogrel response. Also called: Plavix response. Identifiers: MedGen CN077970.
CYP2C19: increased function.

Allele frequency attached by ClinVar (database versions not stated): 1000 Genomes Project 0.15315; 1000 Genomes Project 30x 0.15928; TOPMed 0.19604; gnomAD 0.19962 and 0.20441.

Submissions (4):

Clinical Pharmacogenetics Implementation Consortium
Classification: drug response for CYP2C19: increased function. Review status: practice guideline. Criteria: Clinical Pharmacogenetics Implementation Consortium. Collection method: curation. Allele origin: germline.

GeneDx
Classification: Benign. Last evaluated: 2018-03-14. Review status: criteria provided, single submitter. Criteria: GeneDx Variant Classification (06012015). Collection method: clinical testing. Allele origin: germline. Affected: yes. Not counted in ClinVar's aggregate classification.
Comment: This variant is considered likely benign or benign based on one or more of the following criteria: it is a conservative change, it occurs at a poorly conserved position in the protein, it is predicted to be benign by multiple in silico algorithms, and/or has population frequency not consistent with disease.

Eurofins Ntd Llc (ga)
Classification: other. Last evaluated: 2015-07-09. Review status: criteria provided, single submitter. Criteria: EGL Classification Definitions 2015. Collection method: clinical testing. Allele origin: germline. Observed: 316 variant alleles, 275 heterozygotes, 38 homozygotes. Not counted in ClinVar's aggregate classification.

Faculty of Pharmacy, Damascus University
Classification: drug response for Clopidogrel Response. Review status: no assertion criteria provided. Collection method: research. Allele origin: germline. Affected: yes. Not counted in ClinVar's aggregate classification.
Comment: rs12248560 is a SNP in the CYP2C19 gene and is linked to increased clopidogrel metabolic activation. rs12248560 is associated with increased enzyme activity of CYP2C19 and higher concentration of clopidogrel active metabolite.